The following is an entry in ClinVar:

ClinVar aggregate classification (germline): Likely pathogenic (1 of 4 stars; one submission).

Submission:

CeGaT Center for Human Genetics Tuebingen
Classification: Likely pathogenic. Last evaluated: 2024-11-01. Review status: criteria provided, single submitter. Criteria: CeGaT Center For Human Genetics Tuebingen Variant Classification Criteria Version 2. Collection method: clinical testing. Allele origin: germline. Affected: yes. Observed: 1 variant allele.
Comment: KMT2E: PVS1:Strong, PM2

NM_182931.3(KMT2E):c.4259_4260dup (p.Val1421fs)

Gene: KMT2E (lysine methyltransferase 2E (inactive); plus strand). Cytogenetic location: 7q22.3.
Variant type: Microsatellite.
Coding change: c.4259_4260dup on transcript NM_182931.3 (MANE Select); coding-DNA positions 4259 to 4260, 2 bases duplicated (AC; older notation c.4259_4260dupAC).
Protein change: p.Val1421fs; shifts the reading frame from valine 1421.
Molecular consequence: frameshift variant.
Genome position (GRCh38, 1-based): chr7:105,112,015-105,112,016, AC duplicated; duplicating any 2 consecutive bases within chr7:105,112,011-105,112,016 gives the same sequence; the c. name uses the placement nearest the transcript's 3' end. VCF-style (leftmost placement, unchanged base first): chr7-105112010-G-GAC. GRCh37 (hg19) VCF-style: chr7-104752457-G-GAC.
Other names: c.4133_4134dup, p.Val1379fs (NM_001410908.1); c.4259_4260dup, p.Val1421fs (NM_018682.4); short protein forms V1379fs, V1421fs.
Identifiers: ClinVar variation 3390092 (VCV003390092.14).
Genomic context (GRCh38, chr7:105,112,010, plus strand): 5'-GCTCCAACAAAAACAGCTATCAAATAACAACCAAGCACTTTCAAAGAATCATCCTCCTCA[G>GAC]ACACACGTTCGTAATTCATCTGAGCAACTTTCACAAAAGCTGCCTTCTGTGCCAACAAAG-3'